The following is an entry in ClinVar:

ClinVar aggregate classification (germline): Uncertain significance. Review status: criteria provided, multiple submitters, no conflicts (2 of 4 stars). 2 submissions from 2 submitters: Uncertain significance (2). Last evaluated 2026-03-24.

Conditions:
Cardiovascular phenotype. Identifiers: MedGen CN230736.
RASopathy. Also called: rasopathies; Noonan spectrum disorder. Identifiers: Orphanet 536391, MedGen C5555857, MONDO:0021060.

Allele frequency attached by ClinVar (database versions not stated): TOPMed below 0.00001.

Submissions (2):

Ambry Genetics
Classification: Uncertain significance for Cardiovascular phenotype. Last evaluated: 2026-03-24. Review status: criteria provided, single submitter. Criteria: Ambry Variant Classification Scheme 2023. Collection method: clinical testing. Allele origin: germline.
Comment: The p.I726T variant (also known as c.2177T>C), located in coding exon 14 of the CBL gene, results from a T to C substitution at nucleotide position 2177. The isoleucine at codon 726 is replaced by threonine, an amino acid with similar properties. This amino acid position is conserved. In addition, this alteration is predicted to be tolerated by in silico analysis. Based on the available evidence, the clinical significance of this variant remains unclear.

Labcorp Genetics (formerly Invitae), Labcorp
Classification: Uncertain significance for RASopathy. Last evaluated: 2025-04-28. Review status: criteria provided, single submitter. Criteria: Invitae Variant Classification Sherloc (09022015). Collection method: clinical testing. Allele origin: germline.
Comment: This sequence change replaces isoleucine, which is neutral and non-polar, with threonine, which is neutral and polar, at codon 726 of the CBL protein (p.Ile726Thr). This variant is not present in population databases (gnomAD no frequency). This variant has not been reported in the literature in individuals affected with CBL-related conditions. ClinVar contains an entry for this variant (Variation ID: 2726044). Invitae Evidence Modeling of protein sequence and biophysical properties (such as structural, functional, and spatial information, amino acid conservation, physicochemical variation, residue mobility, and thermodynamic stability) indicates that this missense variant is not expected to disrupt CBL protein function with a negative predictive value of 95%. In summary, the available evidence is currently insufficient to determine the role of this variant in disease. Therefore, it has been classified as a Variant of Uncertain Significance.

NM_005188.4(CBL):c.2177T>C (p.Ile726Thr)

Gene: CBL (Cbl proto-oncogene; plus strand). Cytogenetic location: 11q23.3.
Variant type: single nucleotide variant.
Coding change: c.2177T>C on transcript NM_005188.4 (MANE Select); coding-DNA position 2177, T replaced by C.
Protein change: p.Ile726Thr; replaces isoleucine 726 with threonine.
Molecular consequence: missense variant.
Genome position (GRCh38, 1-based): chr11:119,297,407, T>C. VCF-style: chr11-119297407-T-C. GRCh37 (hg19) VCF-style: chr11-119168117-T-C.
Other names: c.2177T>C (NM_005188.2); short protein forms I726T.
Identifiers: ClinVar variation 2726044 (VCV002726044.4), dbSNP rs1950071600, ClinGen allele CA382928008.